The following is an entry in ClinVar:

NM_000346.4(SOX9):c.1298del (p.Pro433fs)

Gene: SOX9 (SRY-box transcription factor 9; plus strand). Cytogenetic location: 17q24.3.
Variant type: Deletion.
Coding change: c.1298del on transcript NM_000346.4 (MANE Select); coding-DNA position 1298, one base deleted (C; older notation c.1298delC).
Protein change: p.Pro433fs; shifts the reading frame from proline 433.
Molecular consequence: frameshift variant.
Genome position (GRCh38, 1-based): chr17:72,124,155, C deleted; the last of 3 consecutive C bases (chr17:72,124,153-72,124,155); deleting any one gives the same sequence. VCF-style (leftmost placement, unchanged base first): chr17-72124152-AC-A. GRCh37 (hg19) VCF-style: chr17-70120293-AC-A.
Other names: short protein forms P433fs.
Identifiers: ClinVar variation 4856187 (VCV004856187.1).
Genomic context (GRCh38, chr17:72,124,152, plus strand): 5'-AGCACTCGCCCCAACAGATCGCCTACAGCCCCTTCAACCTCCCACACTACAGCCCCTCCT[AC>A]CCGCCCATCACCCGCTCACAGTACGACTACACCGACCACCAGAACTCCAGCTCCTACTAC-3'

ClinVar aggregate classification (germline): Likely pathogenic (1 of 4 stars; one submission).

Conditions:
Camptomelic dysplasia (CMPD). Also called: CMPD1/SRA1; Campomelic Dysplasia. Identifiers: Orphanet 140, MedGen C1861922, MONDO:0007251, OMIM 114290.

Submission:

3billion
Classification: Likely pathogenic for Camptomelic dysplasia. Last evaluated: 2025-06-24. Review status: criteria provided, single submitter. Criteria: ACMG Guidelines, 2015. Collection method: clinical testing. Allele origin: germline. Affected: yes.
Comment: The variant is not observed in the gnomAD v4.1.0 dataset. Predicted Consequence/Location: Frameshift: predicted to result in a loss or disruption of normal protein function through protein truncation. The predicted truncated protein may be shortened by more than 10%. Therefore, this variant is classified as Likely pathogenic according to the recommendation of ACMG/AMP guideline.